The following is an entry in ClinVar:

NM_002911.4(UPF1):c.169G>A (p.Gly57Ser)

Gene: UPF1 (UPF1 RNA helicase and ATPase; plus strand). Cytogenetic location: 19p13.11.
Variant type: single nucleotide variant.
Coding change: c.169G>A on transcript NM_002911.4 (MANE Select); coding-DNA position 169, G replaced by A.
Protein change: p.Gly57Ser; replaces glycine 57 with serine.
Molecular consequence: missense variant.
Genome position (GRCh38, 1-based): chr19:18,832,378, G>A. VCF-style: chr19-18832378-G-A. GRCh37 (hg19) VCF-style: chr19-18943187-G-A.
Other names: c.169G>A, p.Gly57Ser (NM_001297549.2); short protein forms G57S.
Identifiers: ClinVar variation 5018113 (VCV005018113.1).

ClinVar aggregate classification (germline): Uncertain significance (1 of 4 stars; one submission).

Submission:

GeneDx
Classification: Uncertain significance. Last evaluated: 2026-04-02. Review status: criteria provided, single submitter. Criteria: GeneDx Variant Classification Process June 2021. Collection method: clinical testing. Allele origin: germline.
Comment: Not observed at significant frequency in large population cohorts (gnomAD); In silico analysis suggests that this missense variant does not alter protein structure/function; Has not been previously published as pathogenic or benign to our knowledge